The following is an entry in ClinVar:

ClinVar aggregate classification (germline): Uncertain significance. Review status: criteria provided, multiple submitters, no conflicts (2 of 4 stars). 2 submissions from 2 submitters: Uncertain significance (2). Last evaluated 2025-06-29.

Conditions:
Myopathy, centronuclear, 2 (CNM2). Also called: MYOTUBULAR MYOPATHY, AUTOSOMAL RECESSIVE. Identifiers: Orphanet 169186, MedGen CN031787, MONDO:0009709, OMIM 255200.
Inborn genetic diseases. Identifiers: MedGen C0950123, MeSH D030342.

Allele frequency attached by ClinVar (database versions not stated): TOPMed below 0.00001; gnomAD 0.00001.
gnomAD v4.1: 3 of 1,551,486 alleles (0.00019%); highest among the groups gnomAD compares: Non-Finnish European, 0.00026%; no homozygotes.

Submissions (2):

Ambry Genetics
Classification: Uncertain significance for Inborn genetic diseases. Last evaluated: 2025-06-29. Review status: criteria provided, single submitter. Criteria: Ambry Variant Classification Scheme 2023. Collection method: clinical testing. Allele origin: germline.

Labcorp Genetics (formerly Invitae), Labcorp
Classification: Uncertain significance for Myopathy, centronuclear, 2. Last evaluated: 2024-03-04. Review status: criteria provided, single submitter. Criteria: Invitae Variant Classification Sherloc (09022015). Collection method: clinical testing. Allele origin: germline.
Comment: This sequence change replaces valine, which is neutral and non-polar, with methionine, which is neutral and non-polar, at codon 405 of the BIN1 protein (p.Val405Met). This variant is present in population databases (no rsID available, gnomAD 0.007%). This variant has not been reported in the literature in individuals affected with BIN1-related conditions. Algorithms developed to predict the effect of missense changes on protein structure and function output the following: SIFT: "Not Available"; PolyPhen-2: "Benign"; Align-GVGD: "Not Available". The methionine amino acid residue is found in multiple mammalian species, which suggests that this missense change does not adversely affect protein function. In summary, the available evidence is currently insufficient to determine the role of this variant in disease. Therefore, it has been classified as a Variant of Uncertain Significance.

NM_139343.3(BIN1):c.1213G>A (p.Val405Met)

Gene: BIN1 (bridging integrator 1; minus strand). Cytogenetic location: 2q14.3.
Variant type: single nucleotide variant.
Coding change: c.1213G>A on transcript NM_139343.3 (MANE Select); coding-DNA position 1213, G replaced by A.
Protein change: p.Val405Met; replaces valine 405 with methionine.
Molecular consequence: missense variant. On other transcripts: intron variant (12).
Genome position (GRCh38, 1-based): chr2:127,053,931, C>T on the plus strand (G>A on the coding strand, the complement: BIN1 is on the minus strand). VCF-style: chr2-127053931-C-T. GRCh37 (hg19) VCF-style: chr2-127811507-C-T.
Other names: c.1213G>A (NM_139343.2); c.1120G>A, p.Val374Met (NM_001320641.2); c.1132G>A, p.Val378Met (NM_001320642.1); c.1084G>A, p.Val362Met (NM_139344.3); c.838-3019G>A (NM_001320634.1); c.910-3019G>A (NM_139351.3); c.910-2688G>A (NM_139350.3); c.910-1569G>A (NM_139349.3); and 8 more; short protein forms V374M, V378M, V362M, V405M.
Identifiers: ClinVar variation 2888665 (VCV002888665.4), dbSNP rs1414893032, ClinGen allele CA348376797.